The following is an entry in ClinVar:

NM_006648.4(WNK2):c.2245G>A (p.Val749Met)

Gene: WNK2 (WNK lysine deficient protein kinase 2; plus strand). Cytogenetic location: 9q22.31.
Variant type: single nucleotide variant.
Coding change: c.2245G>A on transcript NM_006648.4 (MANE Select); coding-DNA position 2245, G replaced by A.
Protein change: p.Val749Met; replaces valine 749 with methionine.
Molecular consequence: missense variant.
Genome position (GRCh38, 1-based): chr9:93,257,002, G>A. VCF-style: chr9-93257002-G-A. GRCh37 (hg19) VCF-style: chr9-96019284-G-A.
Other names: c.2245G>A, p.Val749Met (NM_001282394.3); short protein forms V749M.
Identifiers: ClinVar variation 3817192 (VCV003817192.1).
Genomic context (GRCh38, chr9:93,257,002, plus strand): 5'-CTCTAGCCTCCTCCGCTGGCCCAGCCGACACCCCTGCCGCAGGTCCTGGCCCCACAGCCC[G>A]TGGTCCCCCTCCAGCCGGTTCCCCCCCACCTGCCACCGTACCTGGCTCCAGCCTCCCAGG-3'
Protein context (NP_006639.3, residues 739-759): PLPQVLAPQP[Val749Met]VPLQPVPPHL

ClinVar aggregate classification (germline): Uncertain significance (1 of 4 stars; one submission).

gnomAD v4.1: 5 of 1,599,832 alleles (0.00031%); highest among the groups gnomAD compares: South Asian, 0.0022%; no homozygotes.

Submission:

Ambry Genetics
Classification: Uncertain significance. Last evaluated: 2025-03-01. Review status: criteria provided, single submitter. Criteria: Ambry Variant Classification Scheme 2023. Collection method: clinical testing. Allele origin: germline.
Comment: The p.V749M variant (also known as c.2245G>A), located in coding exon 10 of the WNK2 gene, results from a G to A substitution at nucleotide position 2245. The valine at codon 749 is replaced by methionine, an amino acid with highly similar properties. This amino acid position is conserved. In addition, this alteration is predicted to be tolerated by in silico analysis. Based on the available evidence, the clinical significance of this variant remains unclear.